The following is an entry in ClinVar:

NM_004525.3(LRP2):c.9650A>G (p.Tyr3217Cys)

Gene: LRP2 (LDL receptor related protein 2; minus strand). Cytogenetic location: 2q31.1.
Variant type: single nucleotide variant.
Coding change: c.9650A>G on transcript NM_004525.3 (MANE Select); coding-DNA position 9650, A replaced by G.
Protein change: p.Tyr3217Cys; replaces tyrosine 3217 with cysteine.
Molecular consequence: missense variant.
Genome position (GRCh38, 1-based): chr2:169,185,698, T>C on the plus strand (A>G on the coding strand, the complement: LRP2 is on the minus strand). VCF-style: chr2-169185698-T-C. GRCh37 (hg19) VCF-style: chr2-170042208-T-C.
Other names: p.Tyr3217Cys; short protein forms Y3217C.
Identifiers: ClinVar variation 893451 (VCV000893451.52), dbSNP rs143150497, ClinGen allele CA1953537.

ClinVar aggregate classification (germline): Conflicting classifications of pathogenicity. Review status: criteria provided, conflicting classifications (1 of 4 stars). 8 submissions from 8 submitters: Uncertain significance (4); Likely benign (3). 1 of the submissions does not count toward it. Last evaluated 2026-01-11.

Conditions:
LRP2-related disorder. Also called: LRP2-related condition.
Donnai-Barrow syndrome. Also called: DBS/FOAR SYNDROME; FACIOOCULOACOUSTICORENAL SYNDROME. Identifiers: Orphanet 2143, MedGen C1857277, MONDO:0009104, OMIM 222448.

Allele frequency attached by ClinVar (database versions not stated): 1000 Genomes Project 0.00020; 1000 Genomes Project 30x 0.00031; gnomAD 0.00079 and 0.00083; TOPMed 0.00082; gnomAD exomes 0.00091 and 0.00124; ExAC 0.00097; ESP Exome Variant Server 0.00115.
gnomAD v4.1: 1,885 of 1,614,026 alleles (0.12%); highest among the groups gnomAD compares: Non-Finnish European, 0.15%; 1 homozygote.

Submissions (8):

Labcorp Genetics (formerly Invitae), Labcorp
Classification: Likely benign. Last evaluated: 2026-01-11. Review status: criteria provided, single submitter. Criteria: Invitae Variant Classification Sherloc (09022015). Collection method: clinical testing. Allele origin: germline.

Blueprint Genetics
Classification: Likely benign. Last evaluated: 2024-09-11. Review status: criteria provided, single submitter. Criteria: ACMG Guidelines, 2015. Collection method: clinical testing. Allele origin: germline.

Mayo Clinic Laboratories, Mayo Clinic
Classification: Uncertain significance. Last evaluated: 2023-11-08. Review status: criteria provided, single submitter. Criteria: ACMG Guidelines, 2015. Collection method: clinical testing. Allele origin: germline. Observed: 1 variant allele.
Comment: BS1_supporting

CeGaT Center for Human Genetics Tuebingen
Classification: Likely benign. Last evaluated: 2022-02-01. Review status: criteria provided, single submitter. Criteria: CeGaT Center For Human Genetics Tuebingen Variant Classification Criteria Version 2. Collection method: clinical testing. Allele origin: germline. Affected: yes. Observed: 1 variant allele.

Genome-Nilou Lab
Classification: Uncertain significance for Donnai-Barrow syndrome. Last evaluated: 2021-07-15. Review status: criteria provided, single submitter. Criteria: ACMG Guidelines, 2015. Collection method: clinical testing. Allele origin: germline. Affected: no.

GeneDx
Classification: Uncertain significance. Last evaluated: 2019-11-11. Review status: criteria provided, single submitter. Criteria: GeneDx Variant Classification Process June 2021. Collection method: clinical testing. Allele origin: germline. Affected: yes.
Comment: In silico analysis, which includes protein predictors and evolutionary conservation, supports that this variant does not alter protein structure/function; Has not been previously published as pathogenic or benign to our knowledge

Illumina Laboratory Services, Illumina
Classification: Uncertain significance for Donnai-Barrow syndrome. Last evaluated: 2018-01-13. Review status: criteria provided, single submitter. Criteria: ICSL Variant Classification Criteria 13 December 2019. Collection method: clinical testing. Allele origin: germline.

PreventionGenetics, part of Exact Sciences
Classification: Likely benign for LRP2-related condition. Last evaluated: 2023-08-04. Review status: no assertion criteria provided. Collection method: clinical testing. Allele origin: germline. Not counted in ClinVar's aggregate classification.
Comment: This variant is classified as likely benign based on ACMG/AMP sequence variant interpretation guidelines (Richards et al. 2015 PMID: 25741868, with internal and published modifications).